The following is an entry in ClinVar:

ClinVar aggregate classification (germline): Benign. Review status: criteria provided, multiple submitters, no conflicts (2 of 4 stars). 2 submissions from 2 submitters: Benign (2). Last evaluated 2018-01-12.

Conditions:
Autosomal dominant aplasia and myelodysplasia. Also called: Bone marrow failure syndrome 1. Identifiers: Orphanet 314399, MedGen C3808553, MONDO:0013851, OMIM 614675.

Allele frequency attached by ClinVar (database versions not stated): gnomAD exomes 0.07318; gnomAD 0.07511 and 0.07530; TOPMed 0.08026; 1000 Genomes Project 0.08087; 1000 Genomes Project 30x 0.08229.

Submissions (2):

Illumina Laboratory Services, Illumina
Classification: Benign for Autosomal dominant aplasia and myelodysplasia. Last evaluated: 2018-01-12. Review status: criteria provided, single submitter. Criteria: ICSL Variant Classification Criteria 13 December 2019. Collection method: clinical testing. Allele origin: germline.
Comment: This variant was observed in the ICSL laboratory as part of a predisposition screen in an ostensibly healthy population. It had not been previously curated by ICSL or reported in the Human Gene Mutation Database (HGMD: prior to June 1st, 2018), and was therefore a candidate for classification through an automated scoring system. Utilizing variant allele frequency, disease prevalence and penetrance estimates, and inheritance mode, an automated score was calculated to assess if this variant is too frequent to cause the disease. Based on the score and internal cut-off values, a variant classified as benign is not then subjected to further curation. The score for this variant resulted in a classification of benign for this disease.

Breakthrough Genomics
Classification: Benign. Review status: criteria provided, single submitter. Criteria: ACMG Guidelines, 2015. Collection method: not provided. Allele origin: germline. Inheritance: Autosomal dominant inheritance. Affected: yes.

NM_006947.4(SRP72):c.*386G>A

Gene: SRP72 (signal recognition particle 72; plus strand). Cytogenetic location: 4q12.
Variant type: single nucleotide variant.
Coding change: c.*386G>A on transcript NM_006947.4 (MANE Select); 386 bases downstream of the stop codon, G replaced by A.
Molecular consequence: 3 prime UTR variant. On other transcripts: non-coding transcript variant (1).
Genome position (GRCh38, 1-based): chr4:56,502,247, G>A. VCF-style: chr4-56502247-G-A. GRCh37 (hg19) VCF-style: chr4-57368413-G-A.
Other names: c.*386G>A (NM_001267722.2).
Identifiers: ClinVar variation 349144 (VCV000349144.6), dbSNP rs4260596, ClinGen allele CA10621330.